The following is an entry in ClinVar:

NM_000540.3(RYR1):c.1631A>G (p.Asp544Gly)

Gene: RYR1 (ryanodine receptor 1; plus strand). Cytogenetic location: 19q13.2.
Variant type: single nucleotide variant.
Coding change: c.1631A>G on transcript NM_000540.3 (MANE Select); coding-DNA position 1631, A replaced by G.
Protein change: p.Asp544Gly; replaces aspartic acid 544 with glycine.
Molecular consequence: missense variant.
Genome position (GRCh38, 1-based): chr19:38,455,505, A>G. VCF-style: chr19-38455505-A-G. GRCh37 (hg19) VCF-style: chr19-38946145-A-G.
Other names: c.1631A>G, p.Asp544Gly (NM_001042723.2); short protein forms D544G.
Identifiers: ClinVar variation 3636222 (VCV003636222.2).
Genomic context (GRCh38, chr19:38,455,505, plus strand): 5'-CCTCAGCTTCTCTAATCCGTGGCAATCGTAGCAACTGTGCCCTCTTCTCCACAAACTTGG[A>G]CTGGCTGGTCAGCAAGCTGGATCGGCTGGAGGCCTCGTCTGGTAGGAGAACCCGGGGGAG-3'
Protein context (NP_000531.2, residues 534-554): SNCALFSTNL[Asp544Gly]WLVSKLDRLE

ClinVar aggregate classification (germline): Uncertain significance (1 of 4 stars; one submission).

Conditions:
RYR1-related disorder. Also called: RYR1-related condition; RYR1-related disorders. Identifiers: MedGen CN239331.

Submission:

Labcorp Genetics (formerly Invitae), Labcorp
Classification: Uncertain significance for RYR1-related disorder. Last evaluated: 2024-04-03. Review status: criteria provided, single submitter. Criteria: Invitae Variant Classification Sherloc (09022015). Collection method: clinical testing. Allele origin: germline.
Comment: This sequence change replaces aspartic acid, which is acidic and polar, with glycine, which is neutral and non-polar, at codon 544 of the RYR1 protein (p.Asp544Gly). This variant is not present in population databases (gnomAD no frequency). This variant has not been reported in the literature in individuals affected with RYR1-related conditions. Advanced modeling of protein sequence and biophysical properties (such as structural, functional, and spatial information, amino acid conservation, physicochemical variation, residue mobility, and thermodynamic stability) performed at Invitae indicates that this missense variant is expected to disrupt RYR1 protein function with a positive predictive value of 80%. In summary, the available evidence is currently insufficient to determine the role of this variant in disease. Therefore, it has been classified as a Variant of Uncertain Significance.